The following is an entry in ClinVar:

ClinVar aggregate classification (germline): Uncertain significance. Review status: criteria provided, multiple submitters, no conflicts (2 of 4 stars). 3 submissions from 3 submitters: Uncertain significance (3). Last evaluated 2025-09-24.

Conditions:
Hereditary cancer-predisposing syndrome. Also called: Tumor predisposition; Neoplastic Syndromes, Hereditary; Hereditary neoplastic syndrome; Hereditary Cancer Syndrome. Identifiers: Orphanet 140162, MedGen C0027672, MeSH D009386, MONDO:0015356.
Hereditary breast ovarian cancer syndrome. Also called: Breast and ovarian cancer; BRCA1- and BRCA2-Associated Hereditary Breast and Ovarian Cancer; Hereditary breast and ovarian cancer syndrome (HBOC); Hereditary breast and ovarian cancer; Hereditary breast and/or ovarian cancer syndrome; Hereditary breast and ovarian cancer syndrome. Identifiers: Orphanet 145, MedGen C0677776, MeSH D061325, MONDO:0003582. Disease mechanism: loss of function.

Allele frequency attached by ClinVar (database versions not stated): TOPMed below 0.00001.
gnomAD v4.1: 1 of 1,612,740 alleles (0.000062%); highest among the groups gnomAD compares: African/African-American, 0.0013%; no homozygotes.

Submissions (3):

Labcorp Genetics (formerly Invitae), Labcorp
Classification: Uncertain significance for Hereditary breast ovarian cancer syndrome. Last evaluated: 2025-09-24. Review status: criteria provided, single submitter. Criteria: Invitae Variant Classification Sherloc (09022015). Collection method: clinical testing. Allele origin: germline.
Comment: This sequence change replaces glutamic acid, which is acidic and polar, with valine, which is neutral and non-polar, at codon 111 of the BRCA1 protein (p.Glu111Val). This variant is not present in population databases (gnomAD no frequency). This variant has not been reported in the literature in individuals affected with BRCA1-related conditions. ClinVar contains an entry for this variant (Variation ID: 496365). Invitae Evidence Modeling of protein sequence and biophysical properties (such as structural, functional, and spatial information, amino acid conservation, physicochemical variation, residue mobility, and thermodynamic stability) has been performed for this missense variant. However, the output from this modeling did not meet the statistical confidence thresholds required to predict the impact of this variant on BRCA1 protein function. In summary, the available evidence is currently insufficient to determine the role of this variant in disease. Therefore, it has been classified as a Variant of Uncertain Significance.

Ambry Genetics
Classification: Uncertain significance for Hereditary cancer-predisposing syndrome. Last evaluated: 2024-10-28. Review status: criteria provided, single submitter. Criteria: Ambry Variant Classification Scheme 2023. Collection method: clinical testing. Allele origin: germline.
Comment: The p.E111V variant (also known as c.332A>T), located in coding exon 5 of the BRCA1 gene, results from an A to T substitution at nucleotide position 332. The glutamic acid at codon 111 is replaced by valine, an amino acid with dissimilar properties. This amino acid position is conserved. In addition, this alteration is predicted to be deleterious by in silico analysis. Since supporting evidence is limited at this time, the clinical significance of this alteration remains unclear.

Women's Health and Genetics/Laboratory Corporation of America, LabCorp
Classification: Uncertain significance. Last evaluated: 2017-05-26. Review status: criteria provided, single submitter. Criteria: LabCorp Variant Classification Summary - May 2015. Collection method: clinical testing. Allele origin: germline.
Comment: Variant summary: The c.332A>T (p.Glu111Val) in BRCA1 gene is a missense change that involves a non-conserved nucleotide and 3/4 in silico tools predict deleterious outcome. The variant of interest is located outside of any known functional domain or repeat, although the impact of the variant on the protein function is yet to be confirmed by experimental findings. The variant is absent from the large control population datasets of ExAC and gnomAD (~121264 and 245940 chrs tested). To our knowledge, the variant has not been reported in affected individuals via published reports or cited by a reputable databases/diagnostic centers. Lastly, the variant was found to co-occur with a known pathogenic variant in BRCA1, c.3700_3704delGTAAA indicating neutrality of the c.332A>T. Taking together, the variant has been classified as VUS-possibly benign, until more evidence become available.

NM_007294.4(BRCA1):c.332A>T (p.Glu111Val)

Gene: BRCA1 (BRCA1 DNA repair associated; minus strand). Cytogenetic location: 17q21.31.
Variant type: single nucleotide variant.
Coding change: c.332A>T on transcript NM_007294.4 (MANE Select); coding-DNA position 332, A replaced by T.
Protein change: p.Glu111Val; replaces glutamic acid 111 with valine.
Molecular consequence: missense variant. On other transcripts: non-coding transcript variant (1).
Genome position (GRCh38, 1-based): chr17:43,104,231, T>A on the plus strand (A>T on the coding strand, the complement: BRCA1 is on the minus strand). VCF-style: chr17-43104231-T-A. GRCh37 (hg19) VCF-style: chr17-41256248-T-A.
Other names: c.332A>T, p.Glu111Val (NM_001407977.1, NM_001407980.1, NM_001407981.1 and 165 more transcripts); c.254A>T, p.Glu85Val (NM_001407655.1, NM_001407658.1, NM_001407656.1 and 21 more transcripts); c.323A>T, p.Glu108Val (NM_001407646.1, NM_001407647.1, NM_001408408.1); c.191A>T, p.Glu64Val (NM_001407692.1, NM_001407694.1, NM_001407695.1 and 99 more transcripts); c.122A>T, p.Glu41Val (NM_001407853.1, NM_001407879.1, NM_001407881.1 and 58 more transcripts); c.-50A>T (NM_001407959.1, NM_001407960.1, NM_001407962.1 and 4 more transcripts); c.200A>T, p.Glu67Val (NM_001408451.1); short protein forms E111V, E64V, E108V, E41V, E67V, E85V.
Identifiers: ClinVar variation 496365 (VCV000496365.5), dbSNP rs80357312, ClinGen allele CA10601481.